The following is an entry in ClinVar:

NM_004006.3(DMD):c.1474C>T (p.Gln492Ter)

Gene: DMD (dystrophin; minus strand). Cytogenetic location: Xp21.1.
Variant type: single nucleotide variant.
Coding change: c.1474C>T on transcript NM_004006.3 (MANE Select); coding-DNA position 1474, C replaced by T.
Protein change: p.Gln492Ter; replaces glutamine 492 with a stop codon.
Molecular consequence: nonsense.
Genome position (GRCh38, 1-based): chrX:32,614,311, G>A on the plus strand (C>T on the coding strand, the complement: DMD is on the minus strand). VCF-style: chrX-32614311-G-A. GRCh37 (hg19) VCF-style: chrX-32632428-G-A.
Other names: c.1450C>T, p.Gln484Ter (NM_000109.4); c.1462C>T, p.Gln488Ter (NM_004009.3); c.1105C>T, p.Gln369Ter (NM_004010.3); short protein forms Q369*, Q484*, Q488*, Q492*.
Identifiers: ClinVar variation 2737176 (VCV002737176.3), dbSNP rs2149349537, ClinGen allele CA412669726.

ClinVar aggregate classification (germline): Pathogenic (1 of 4 stars; one submission).

Conditions:
Duchenne muscular dystrophy (DMD). Also called: MUSCULAR DYSTROPHY, PSEUDOHYPERTROPHIC PROGRESSIVE, DUCHENNE TYPE; Duchenne Muscular Dystrophy (DMD). Identifiers: Orphanet 98896, MedGen C0013264, MONDO:0010679, OMIM 310200.

Submission:

Labcorp Genetics (formerly Invitae), Labcorp
Classification: Pathogenic for Duchenne muscular dystrophy. Last evaluated: 2024-01-16. Review status: criteria provided, single submitter. Criteria: Invitae Variant Classification Sherloc (09022015). Collection method: clinical testing. Allele origin: germline.
Comment: This sequence change creates a premature translational stop signal (p.Gln492*) in the DMD gene. It is expected to result in an absent or disrupted protein product. Loss-of-function variants in DMD are known to be pathogenic (PMID: 16770791, 25007885). This variant is not present in population databases (gnomAD no frequency). This premature translational stop signal has been observed in individual(s) with Duchenne muscular dystrophy (PMID: 23536893). For these reasons, this variant has been classified as Pathogenic.

Literature cited by the submitters: PubMed 16770791; PubMed 25007885; PubMed 23536893.